The following is an entry in ClinVar:

NM_001243133.2(NLRP3):c.1218G>A (p.Met406Ile)

Gene: NLRP3 (NLR family pyrin domain containing 3; plus strand). Cytogenetic location: 1q44.
Variant type: single nucleotide variant.
Coding change: c.1218G>A on transcript NM_001243133.2 (MANE Select); coding-DNA position 1218, G replaced by A.
Protein change: p.Met406Ile; replaces methionine 406 with isoleucine.
Molecular consequence: missense variant.
Genome position (GRCh38, 1-based): chr1:247,424,667, G>A. VCF-style: chr1-247424667-G-A. GRCh37 (hg19) VCF-style: chr1-247587969-G-A.
Other names: c.1218G>A, p.Met406Ile (NM_001079821.3, NM_001127461.3, NM_001127462.3 and 1 more transcripts); c.1224G>A, p.Met408Ile (NM_004895.5); short protein forms M406I, M408I.
Identifiers: ClinVar variation 1066319 (VCV001066319.9), dbSNP rs180177486, ClinGen allele CA345556415.
Genomic context (GRCh38, chr1:247,424,667, plus strand): 5'-TGAGGCCCAAGCCAGGGCAGCCTTCAGTCTGATTCAGGAGAACGAGGTCCTCTTCACCAT[G>A]TGCTTCATCCCCCTGGTCTGCTGGATCGTGTGCACTGGACTGAAACAGCAGATGGAGAGT-3'
Protein context (NP_001230062.1, residues 396-416): LIQENEVLFT[Met406Ile]CFIPLVCWIV

ClinVar aggregate classification (germline): Likely pathogenic (1 of 4 stars; one submission).

Conditions:
Cryopyrin associated periodic syndrome (CAPS). Identifiers: Orphanet 208650, MedGen C2316212, MONDO:0016168.

Submission:

Labcorp Genetics (formerly Invitae), Labcorp
Classification: Likely pathogenic for Cryopyrin associated periodic syndrome. Last evaluated: 2020-04-28. Review status: criteria provided, single submitter. Criteria: Invitae Variant Classification Sherloc (09022015). Collection method: clinical testing. Allele origin: germline.
Comment: In summary, the currently available evidence indicates that the variant is pathogenic, but additional data are needed to prove that conclusively. Therefore, this variant has been classified as Likely Pathogenic. This variant disrupts the p.Met408 amino acid residue in NLRP3. Other variant(s) that disrupt this residue have been observed in individuals with NLRP3-related conditions (PMID: 21702021, Invitae), which suggests that this may be a clinically significant amino acid residue. Algorithms developed to predict the effect of missense changes on protein structure and function are either unavailable or do not agree on the potential impact of this missense change (SIFT: "Tolerated"; PolyPhen-2: "Probably Damaging"; Align-GVGD: "Class C0"). This variant has been observed in individual(s) with Cryopyrin-associated periodic syndrome (PMID: 16920754, 21637346). This variant is also known as M406I in the literature. This variant is not present in population databases (ExAC no frequency). This sequence change replaces methionine with isoleucine at codon 408 of the NLRP3 protein (p.Met408Ile). The methionine residue is highly conserved and there is a small physicochemical difference between methionine and isoleucine.

Literature cited by the submitters: PubMed 21702021; PubMed 16920754; PubMed 21637346.